The following is an entry in ClinVar:

ClinVar aggregate classification (germline): Uncertain significance. Review status: criteria provided, multiple submitters, no conflicts (2 of 4 stars). 3 submissions from 3 submitters: Uncertain significance (3). Last evaluated 2025-08-05.

Conditions:
Fanconi anemia complementation group O. Also called: RAD51C-Related Fanconi Anemia. Identifiers: Orphanet 84, MedGen C3150653, MONDO:0013248, OMIM 613390.
Hereditary cancer-predisposing syndrome. Also called: Tumor predisposition; Neoplastic Syndromes, Hereditary; Hereditary Cancer Syndrome; Hereditary neoplastic syndrome. Identifiers: Orphanet 140162, MedGen C0027672, MeSH D009386, MONDO:0015356.

Submissions (3):

Ambry Genetics
Classification: Uncertain significance for Hereditary cancer-predisposing syndrome. Last evaluated: 2025-08-05. Review status: criteria provided, single submitter. Criteria: Ambry Variant Classification Scheme 2023. Collection method: clinical testing. Allele origin: germline.
Comment: The p.I270V variant (also known as c.808A>G), located in coding exon 5 of the RAD51C gene, results from an A to G substitution at nucleotide position 808. The isoleucine at codon 270 is replaced by valine, an amino acid with highly similar properties. This amino acid position is conserved. In addition, this alteration is predicted to be tolerated by in silico analysis. Based on the available evidence, the clinical significance of this variant remains unclear.

Labcorp Genetics (formerly Invitae), Labcorp
Classification: Uncertain significance for Fanconi anemia complementation group O. Last evaluated: 2025-07-14. Review status: criteria provided, single submitter. Criteria: Invitae Variant Classification Sherloc (09022015). Collection method: clinical testing. Allele origin: germline.
Comment: This sequence change replaces isoleucine, which is neutral and non-polar, with valine, which is neutral and non-polar, at codon 270 of the RAD51C protein (p.Ile270Val). This variant is not present in population databases (gnomAD no frequency). This variant has not been reported in the literature in individuals affected with RAD51C-related conditions. ClinVar contains an entry for this variant (Variation ID: 492383). Invitae Evidence Modeling of protein sequence and biophysical properties (such as structural, functional, and spatial information, amino acid conservation, physicochemical variation, residue mobility, and thermodynamic stability) indicates that this missense variant is not expected to disrupt RAD51C protein function with a negative predictive value of 80%. In summary, the available evidence is currently insufficient to determine the role of this variant in disease. Therefore, it has been classified as a Variant of Uncertain Significance.

Color Diagnostics, LLC DBA Color Health
Classification: Uncertain significance for Hereditary cancer-predisposing syndrome. Last evaluated: 2023-12-05. Review status: criteria provided, single submitter. Criteria: ACMG Guidelines, 2015. Collection method: clinical testing. Allele origin: germline.
Comment: This missense variant replaces isoleucine with valine at codon 270 of the RAD51C protein. Computational prediction suggests that this variant may not impact protein structure and function (internally defined REVEL score threshold <= 0.5, PMID: 27666373). To our knowledge, functional studies have not been reported for this variant. This variant has not been reported in individuals affected with RAD51C-related disorders in the literature. This variant has not been identified in the general population by the Genome Aggregation Database (gnomAD). The available evidence is insufficient to determine the role of this variant in disease conclusively. Therefore, this variant is classified as a Variant of Uncertain Significance.

NM_058216.3(RAD51C):c.808A>G (p.Ile270Val)

Gene: RAD51C (RAD51 paralog C; plus strand). Cytogenetic location: 17q22.
Variant type: single nucleotide variant.
Coding change: c.808A>G on transcript NM_058216.3 (MANE Select); coding-DNA position 808, A replaced by G.
Protein change: p.Ile270Val; replaces isoleucine 270 with valine.
Molecular consequence: missense variant. On other transcripts: non-coding transcript variant (1).
Genome position (GRCh38, 1-based): chr17:58,709,961, A>G. VCF-style: chr17-58709961-A-G. GRCh37 (hg19) VCF-style: chr17-56787322-A-G.
Other names: c.808A>G (NM_058216.1); short protein forms I270V.
Identifiers: ClinVar variation 492383 (VCV000492383.15), dbSNP rs1555599250, ClinGen allele CA400354244.
Genomic context (GRCh38, chr17:58,709,961, plus strand): 5'-CATGACCTAGATGACCTGTCTCTTCGTACTCGGTTATTAAATGGCCTAGCCCAGCAAATG[A>G]TCAGCCTTGCAAATAATCACAGATTAGCTGTAAGTATTAACTAGTGAAGAGAGTTTTATA-3'
Protein context (NP_478123.1, residues 260-280): RLLNGLAQQM[Ile270Val]SLANNHRLAV